The following is an entry in ClinVar:

ClinVar aggregate classification (germline): Pathogenic/Likely pathogenic. Review status: criteria provided, multiple submitters, no conflicts (2 of 4 stars). 9 submissions from 9 submitters: Pathogenic (4); Likely pathogenic (4). 1 of the submissions does not count toward it. Last evaluated 2025-08-15.

Conditions:
CLN5-related disorder. Also called: CLN5-related condition.
Inborn genetic diseases. Identifiers: MedGen C0950123, MeSH D030342.
Neuronal ceroid lipofuscinosis. Also called: Neuronal Ceroid Lipofuscinoses. Identifiers: Orphanet 216, Orphanet 79263, MedGen C0027877, MONDO:0016295. Disease mechanism: loss of function.
Neuronal ceroid lipofuscinosis 5 (CLN5). Also called: Neuronal ceroid lipofuscinosis Finnish variant; NEURONAL CEROID LIPOFUSCINOSIS, LATE INFANTILE, FINNISH VARIANT; CLN5-Related Neuronal Ceroid-Lipofuscinosis; CEROID LIPOFUSCINOSIS, NEURONAL, 5, VARIABLE AGE AT ONSET. Identifiers: Orphanet 168491, Orphanet 228360, MedGen C1850442, MONDO:0009745, OMIM 256731.

Submissions (9):

Labcorp Genetics (formerly Invitae), Labcorp
Classification: Pathogenic for Neuronal ceroid lipofuscinosis. Last evaluated: 2025-08-15. Review status: criteria provided, single submitter. Criteria: Invitae Variant Classification Sherloc (09022015). Collection method: clinical testing. Allele origin: germline.
Comment: This sequence change creates a premature translational stop signal (p.Phe309Serfs*12) in the CLN5 gene. While this is not anticipated to result in nonsense mediated decay, it is expected to disrupt the last 99 amino acid(s) of the CLN5 protein. This variant is present in population databases (rs769059034, gnomAD 0.02%). This premature translational stop signal has been observed in individual(s) with neuronal ceroid lipofuscinosis (PMID: 22532218). In at least one individual the data is consistent with being in trans (on the opposite chromosome) from a pathogenic variant. ClinVar contains an entry for this variant (Variation ID: 189038). This variant disrupts a region of the CLN5 protein in which other variant(s) (p.Tyr392*) have been determined to be pathogenic (PMID: 9662406). This suggests that this is a clinically significant region of the protein, and that variants that disrupt it are likely to be disease-causing. For these reasons, this variant has been classified as Pathogenic.

GeneDx
Classification: Likely pathogenic. Last evaluated: 2024-07-19. Review status: criteria provided, single submitter. Criteria: GeneDx Variant Classification Process June 2021. Collection method: clinical testing. Allele origin: germline. Affected: yes.
Comment: Frameshift variant predicted to result in abnormal protein length as the last 99 amino acids are replaced with 11 different amino acids, and other similar variants have been reported in HGMD; This variant is associated with the following publications: (PMID: 22532218, 31440721, 20157158)

Natera, Inc.
Classification: Likely pathogenic for Neuronal ceroid lipofuscinosis. Last evaluated: 2024-05-09. Review status: criteria provided, single submitter. Criteria: Natera Variant Classification Schema (03/2026). Collection method: clinical testing. Allele origin: germline.
Comment: The c.924_925delAT variant in CLN5 is a frameshift variant predicted to shift the reading frame beginning at codon 309 and leads to a stop codon 12 codons downstream. This variant is expected to result in nonsense mediated decay, truncation, or a dysfunctional protein product. This variant is rare in the general population with a frequency below the threshold expected for the associated phenotype(s). This variant has been observed in one or more individuals affected with the associated recessive disease, as either homozygous or compound heterozygous with a second variant (PMID: 22532218). Given the available evidence, this variant is classified as Likely Pathogenic.

Baylor Genetics
Classification: Pathogenic for Neuronal ceroid lipofuscinosis 5. Last evaluated: 2023-10-09. Review status: criteria provided, single submitter. Criteria: ACMG Guidelines, 2015. Collection method: clinical testing. Allele origin: unknown.

Women's Health and Genetics/Laboratory Corporation of America, LabCorp
Classification: Likely pathogenic for Neuronal ceroid lipofuscinosis. Last evaluated: 2022-05-19. Review status: criteria provided, single submitter. Criteria: LabCorp Variant Classification Summary - May 2015. Collection method: clinical testing. Allele origin: germline.
Comment: Variant summary: CLN5 c.924_925delAT (p.Phe309SerfsX12) results in a premature termination codon, predicted to cause a truncation of the encoded protein or absence of the protein due to nonsense mediated decay, which are commonly known mechanisms for disease. Truncations downstream of this position have been classified as pathogenic by our laboratory. The variant allele was found at a frequency of 3.6e-05 in 251266 control chromosomes, predominantly at a frequency of 0.00026 within the Latino subpopulation in the gnomAD database. c.924_925delAT has been reported in the literature in one individual affected with Neuronal Ceroid-Lipofuscinosis (Batten Disease). Two clinical diagnostic laboratories have submitted clinical-significance assessments for this variant to ClinVar after 2014 without evidence for independent evaluation. Two laboratories classified the variant as pathogenic/likely pathogenic. Based on the evidence outlined above, the variant was classified as likely pathogenic.

Blueprint Genetics
Classification: Likely pathogenic for CLN5-related disorders. Last evaluated: 2021-12-21. Review status: criteria provided, single submitter. Criteria: ACMG Guidelines, 2015. Collection method: clinical testing. Allele origin: germline. Affected: yes. Observed: 1 variant allele.

Fulgent Genetics
Classification: Pathogenic for Neuronal ceroid lipofuscinosis 5. Last evaluated: 2021-08-04. Review status: criteria provided, single submitter. Criteria: ACMG Guidelines, 2015. Collection method: clinical testing. Allele origin: unknown.

Ambry Genetics
Classification: Pathogenic for Inborn genetic diseases. Last evaluated: 2020-01-22. Review status: criteria provided, single submitter. Criteria: Ambry Variant Classification Scheme 2023. Collection method: clinical testing. Allele origin: germline.
Comment: The c.924_925delAT pathogenic mutation, located in coding exon 4 of the CLN5 gene, results from a deletion of two nucleotides at nucleotide positions 924 to 925, causing a translational frameshift with a predicted alternate stop codon (p.F309Sfs*12). This alteration was detected in trans with a second truncating alteration in CLN5 in an individual with neuronal ceroid lipofuscinosis (NCL) (P&eacute;rez-Poyato M S et al. Rev Neurol, 2012 May;54:544-50). This alteration is expected to result in loss of function by premature protein truncation. As such, this alteration is interpreted as a disease-causing mutation.

Counsyl
Classification: Likely pathogenic for Ceroid lipofuscinosis neuronal 5. Last evaluated: 2014-10-27. Review status: no assertion criteria provided. Collection method: literature only. Allele origin: unknown. Inheritance: Autosomal recessive inheritance. Not counted in ClinVar's aggregate classification.

Literature cited by the submitters: PubMed 22532218 (cited by 5 submitters); PubMed 9662406 (cited by Labcorp Genetics (formerly Invitae), Labcorp).

NM_006493.4(CLN5):c.777_778del (p.Phe260fs)

Gene: CLN5 (CLN5 lysosomal BMP synthase; plus strand). Cytogenetic location: 13q22.3.
Variant type: Microsatellite.
Coding change: c.777_778del on transcript NM_006493.4 (MANE Select); coding-DNA positions 777 to 778, 2 bases deleted (AT; older notation c.777_778delAT).
Protein change: p.Phe260fs; shifts the reading frame from phenylalanine 260.
Molecular consequence: frameshift variant. On other transcripts: 3 prime UTR variant (1).
Genome position (GRCh38, 1-based): chr13:77,000,669-77,000,670, AT deleted; deleting any 2 consecutive bases within chr13:77,000,667-77,000,670 gives the same sequence; the c. name uses the placement nearest the transcript's 3' end. VCF-style (leftmost placement, unchanged base first): chr13-77000666-AAT-A. GRCh37 (hg19) VCF-style: chr13-77574801-AAT-A.
Other names: c.*224AT[1] (NM_001366624.2); c.924_925del (NM_006493.2); short protein forms F260fs.
Identifiers: ClinVar variation 189038 (VCV000189038.27), dbSNP rs786204644, ClinGen allele CA274301.